The following is an entry in ClinVar:

ClinVar aggregate classification (germline): Uncertain significance (1 of 4 stars; one submission).

Allele frequency attached by ClinVar (database versions not stated): TOPMed below 0.00001.

Submission:

Ambry Genetics
Classification: Uncertain significance. Last evaluated: 2021-10-30. Review status: criteria provided, single submitter. Criteria: Ambry Variant Classification Scheme 2023. Collection method: clinical testing. Allele origin: germline.
Comment: The p.M520K variant (also known as c.1559T>A), located in coding exon 12 of the RECQL gene, results from a T to A substitution at nucleotide position 1559. The methionine at codon 520 is replaced by lysine, an amino acid with similar properties. This amino acid position is conserved. In addition, this alteration is predicted to be tolerated by in silico analysis. Since supporting evidence is limited at this time, the clinical significance of this alteration remains unclear.

NM_002907.4(RECQL):c.1559T>A (p.Met520Lys)

Gene: RECQL (RecQ like helicase; minus strand). Cytogenetic location: 12p12.1.
Variant type: single nucleotide variant.
Coding change: c.1559T>A on transcript NM_002907.4 (MANE Select); coding-DNA position 1559, T replaced by A.
Protein change: p.Met520Lys; replaces methionine 520 with lysine.
Molecular consequence: missense variant.
Genome position (GRCh38, 1-based): chr12:21,471,536, A>T on the plus strand (T>A on the coding strand, the complement: RECQL is on the minus strand). VCF-style: chr12-21471536-A-T. GRCh37 (hg19) VCF-style: chr12-21624470-A-T.
Other names: c.1559T>A, p.Met520Lys (NM_032941.3); short protein forms M520K.
Identifiers: ClinVar variation 1775214 (VCV001775214.2), dbSNP rs1942964277, ClinGen allele CA384116151.